The following is an entry in ClinVar:

ClinVar aggregate classification (germline): Likely benign. Review status: criteria provided, multiple submitters, no conflicts (2 of 4 stars). 2 submissions from 2 submitters: Likely benign (2). Last evaluated 2026-05-12.

Conditions:
Neurofibromatosis, type 1 (NF1). Also called: Peripheral type neurofibromatosis; NEUROFIBROMATOSIS, TYPE I, SOMATIC; VON RECKLINGHAUSEN DISEASE; Neurofibromatosis, type I. Identifiers: Orphanet 636, MedGen C0027831, MONDO:0018975, OMIM 162200. Disease mechanism: loss of function.

Allele frequency attached by ClinVar (database versions not stated): TOPMed below 0.00001.

Submissions (2):

Myriad Genetics, Inc.
Classification: Likely benign for Neurofibromatosis, type 1. Last evaluated: 2026-05-12. Review status: criteria provided, single submitter. Criteria: Myriad Autosomal Dominant, Autosomal Recessive and X-Linked Classification Criteria (2023). Collection method: clinical testing. Allele origin: unknown.
Comment: This variant is considered likely benign. This variant is intronic and is not expected to impact mRNA splicing.

Labcorp Genetics (formerly Invitae), Labcorp
Classification: Likely benign for Neurofibromatosis, type 1. Last evaluated: 2025-03-19. Review status: criteria provided, single submitter. Criteria: Invitae Variant Classification Sherloc (09022015). Collection method: clinical testing. Allele origin: germline.

NM_001042492.3(NF1):c.2850+9T>C

Gene: NF1 (neurofibromin 1; plus strand). Cytogenetic location: 17q11.2.
Variant type: single nucleotide variant.
Coding change: c.2850+9T>C on transcript NM_001042492.3 (MANE Select); 9 bases into the intron after coding-DNA position 2850, T replaced by C.
Molecular consequence: intron variant.
Genome position (GRCh38, 1-based): chr17:31,229,474, T>C. VCF-style: chr17-31229474-T-C. GRCh37 (hg19) VCF-style: chr17-29556492-T-C.
Other names: c.2850+9T>C (NM_000267.4).
Identifiers: ClinVar variation 1148681 (VCV001148681.8), dbSNP rs749655343, ClinGen allele CA2255566116.
Genomic context (GRCh38, chr17:31,229,474, plus strand): 5'-ATTTAACAAATTGAAGAATACCATCAGCAAGTTTTTTGACTCCCAAGGACAGGTAAAGTG[T>C]TCTCTTATTTTTCACCTTTCTCTATGAATAGAGTGACTTGTTTGAAATAAGCCTTTTTCT-3'